The following is an entry in ClinVar:

NM_000135.4(FANCA):c.2275C>G (p.Pro759Ala)

Gene: FANCA (FA complementation group A; minus strand). Cytogenetic location: 16q24.3.
Variant type: single nucleotide variant.
Coding change: c.2275C>G on transcript NM_000135.4 (MANE Select); coding-DNA position 2275, C replaced by G.
Protein change: p.Pro759Ala; replaces proline 759 with alanine.
Molecular consequence: missense variant.
Genome position (GRCh38, 1-based): chr16:89,770,207, G>C on the plus strand (C>G on the coding strand, the complement: FANCA is on the minus strand). VCF-style: chr16-89770207-G-C. GRCh37 (hg19) VCF-style: chr16-89836615-G-C.
Other names: c.2275C>G, p.Pro759Ala (NM_001286167.3); short protein forms P759A.
Identifiers: ClinVar variation 4532862 (VCV004532862.2).

ClinVar aggregate classification (germline): Uncertain significance. Review status: criteria provided, multiple submitters, no conflicts (2 of 4 stars). 2 submissions from 2 submitters: Uncertain significance (2). Last evaluated 2025-11-12.

Conditions:
Inborn genetic diseases. Identifiers: MedGen C0950123, MeSH D030342.

gnomAD v4.1: 1 of 1,594,298 alleles (0.000063%); highest among the groups gnomAD compares: Non-Finnish European, 0.000085%; no homozygotes.

Submissions (2):

Ambry Genetics
Classification: Uncertain significance for Inborn genetic diseases. Last evaluated: 2025-11-12. Review status: criteria provided, single submitter. Criteria: Ambry Variant Classification Scheme 2023. Collection method: clinical testing. Allele origin: germline.
Comment: The p.P759A variant (also known as c.2275C>G), located in coding exon 25 of the FANCA gene, results from a C to G substitution at nucleotide position 2275. The proline at codon 759 is replaced by alanine, an amino acid with highly similar properties. This amino acid position is conserved. In addition, the in silico prediction for this alteration is inconclusive. Based on the available evidence, the clinical significance of this variant remains unclear.

Quest Diagnostics Nichols Institute San Juan Capistrano
Classification: Uncertain significance. Last evaluated: 2025-09-11. Review status: criteria provided, single submitter. Criteria: Quest Diagnostics criteria. Collection method: clinical testing. Allele origin: unknown.
Comment: The FANCA c.2275C>G (p.Pro759Ala) variant has not been reported in individuals with FANCA-related conditions in the published literature. This variant also has not been reported in large, multi-ethnic general populations (Genome Aggregation Database). Analysis of this variant using bioinformatics tools for the prediction of the effect of amino acid changes on protein structure and function yielded predictions that this variant is benign. Based on the available information, we are unable to determine the clinical significance of this variant.